The following is an entry in ClinVar:

ClinVar aggregate classification (germline): Pathogenic. Review status: criteria provided, multiple submitters, no conflicts (2 of 4 stars). 2 submissions from 2 submitters: Pathogenic (2). Last evaluated 2019-07-01.

Conditions:
DICER1-related tumor predisposition. Also called: DICER1 syndrome; DICER1-related pleuropulmonary blastoma cancer predisposition syndrome. Identifiers: Orphanet 284343, MedGen C3839822, MONDO:0100216.

Submissions (2):

Foulkes Cancer Genetics LDI, Lady Davis Institute for Medical Research
Classification: Pathogenic for Pleuropulmonary blastoma. Last evaluated: 2019-07-01. Review status: criteria provided, single submitter. Criteria: ACMG Guidelines, 2015. Collection method: curation. Allele origin: germline. Affected: yes. Observed: 1 variant allele.
Comment: ACMG criteria met: PVS1, PM2, PP4

International Pleuropulmonary Blastoma Registry, Children's Hospitals and Clinics of Minnesota
Classification: Pathogenic for Pleuropulmonary blastoma. Last evaluated: 2014-11-10. Review status: criteria provided, single submitter. Criteria: Hill et al. (Science. 2009). Collection method: clinical testing. Allele origin: germline. Affected: yes. Study: PPB-DICER1 Genetic study.

Literature cited by the submitters: PubMed 26925222 (cited by Foulkes Cancer Genetics LDI, Lady Davis Institute for Medical Research and International Pleuropulmonary Blastoma Registry, Children's Hospitals and Clinics of Minnesota).

NM_177438.3(DICER1):c.1695_1696del (p.Thr566fs)

Gene: DICER1 (dicer 1, ribonuclease III; minus strand). Cytogenetic location: 14q32.13.
Variant type: Deletion.
Coding change: c.1695_1696del on transcript NM_177438.3 (MANE Select); coding-DNA positions 1695 to 1696, 2 bases deleted (TA; older notation c.1695_1696delTA).
Protein change: p.Thr566fs; shifts the reading frame from threonine 566.
Molecular consequence: frameshift variant.
Genome position (GRCh38, 1-based): chr14:95,116,509-95,116,510, TA deleted on the plus strand (TA on the coding strand, the reverse complement: DICER1 is on the minus strand); deleting any 2 consecutive bases within chr14:95,116,509-95,116,511 gives the same sequence; the c. name uses the placement nearest the transcript's 3' end. VCF-style (leftmost placement, unchanged base first): chr14-95116508-GTA-G. GRCh37 (hg19) VCF-style: chr14-95582845-GTA-G.
Other names: c.1694_1695delAT (NM_177438.2); c.1695_1696del, p.Thr566fs (NM_001195573.1, NM_001271282.3, NM_001291628.2 and 1 more transcripts); short protein forms T566fs.
Identifiers: ClinVar variation 254291 (VCV000254291.4), dbSNP rs886037675, ClinGen allele CA10586454.